The following is an entry in ClinVar:

ClinVar aggregate classification (germline): Uncertain significance (1 of 4 stars; one submission).

Submission:

GeneDx
Classification: Uncertain significance. Last evaluated: 2019-11-07. Review status: criteria provided, single submitter. Criteria: GeneDx Variant Classification Process June 2021. Collection method: clinical testing. Allele origin: germline. Affected: yes.
Comment: Not observed in large population cohorts (Lek et al., 2016); Frameshift variant predicted to result in protein truncation as the last 64 amino acids are lost and replaced with 62 incorrect amino acids, although loss-of-function is not a known mechanism of disease; Has not been previously published as pathogenic or benign to our knowledge; Variants in candidate genes are classified as variants of uncertain significance in accordance with ACMG guidelines (Richards et al., 2015)

NM_002430.3(MN1):c.3768del (p.Asn1257fs)

Gene: MN1 (MN1 proto-oncogene, transcriptional regulator; minus strand). Cytogenetic location: 22q12.1.
Variant type: Deletion.
Coding change: c.3768del on transcript NM_002430.3 (MANE Select); coding-DNA position 3768, one base deleted (C; older notation c.3768delC).
Protein change: p.Asn1257fs; shifts the reading frame from asparagine 1257.
Molecular consequence: frameshift variant.
Genome position (GRCh38, 1-based): chr22:27,796,776, G deleted on the plus strand (C on the coding strand, the reverse complement: MN1 is on the minus strand); the first of 4 consecutive G bases (chr22:27,796,776-27,796,779); deleting any one gives the same sequence. VCF-style (leftmost placement, unchanged base first): chr22-27796775-TG-T. GRCh37 (hg19) VCF-style: chr22-28192763-TG-T.
Other names: short protein forms N1257fs.
Identifiers: ClinVar variation 1310033 (VCV001310033.2), dbSNP rs2146315153, ClinGen allele CA2573054988.
Genomic context (GRCh38, chr22:27,796,775, plus strand): 5'-ATGGGGCGGGTCACCCGGGAAGTGAGAGGAAAACGAGTGTGCATATACCTTCTTTGCTGT[TG>T]GGGTTCTGGGGTTTGGCCTTCTCCCAGGGCGCCAACGTCTTGTCGTCGTCCGCGCTGTCC-3'